The following is an entry in ClinVar:

NM_001378454.1(ALMS1):c.3230C>G (p.Ser1077Ter)

Gene: ALMS1 (ALMS1 centrosome and basal body associated protein; plus strand). Cytogenetic location: 2p13.1.
Variant type: single nucleotide variant.
Coding change: c.3230C>G on transcript NM_001378454.1 (MANE Select); coding-DNA position 3230, C replaced by G.
Protein change: p.Ser1077Ter; replaces serine 1077 with a stop codon.
Molecular consequence: nonsense.
Genome position (GRCh38, 1-based): chr2:73,449,757, C>G. VCF-style: chr2-73449757-C-G. GRCh37 (hg19) VCF-style: chr2-73676884-C-G.
Other names: c.3233C>G, p.Ser1078Ter (NM_015120.4); short protein forms S1077*, S1078*.
Identifiers: ClinVar variation 1700585 (VCV001700585.7), dbSNP rs2466097334, ClinGen allele CA347274403.

ClinVar aggregate classification (germline): Pathogenic. Review status: criteria provided, multiple submitters, no conflicts (2 of 4 stars). 2 submissions from 2 submitters: Pathogenic (2). Last evaluated 2022-08-09.

Conditions:
Alstrom syndrome (ALMS). Identifiers: Orphanet 64, MedGen C0268425, MONDO:0008763, OMIM 203800.

gnomAD v4.1: 1 of 1,614,166 alleles (0.000062%); highest among the groups gnomAD compares: South Asian, 0.0011%; no homozygotes.

Submissions (2):

Laboratory of Medical Genetics (UMR_S 1112), INSERM/Strasbourg University
Classification: Pathogenic for Alstrom syndrome. Last evaluated: 2022-08-09. Review status: criteria provided, single submitter. Criteria: ACMG Guidelines, 2015. Collection method: clinical testing. Allele origin: inherited. Affected: yes. Observed: 1 variant allele, 1 homozygote.

Labcorp Genetics (formerly Invitae), Labcorp
Classification: Pathogenic for Alstrom syndrome. Last evaluated: 2022-06-01. Review status: criteria provided, single submitter. Criteria: Invitae Variant Classification Sherloc (09022015). Collection method: clinical testing. Allele origin: germline.
Comment: This sequence change creates a premature translational stop signal (p.Ser1078*) in the ALMS1 gene. It is expected to result in an absent or disrupted protein product. Loss-of-function variants in ALMS1 are known to be pathogenic (PMID: 17594715). This variant is not present in population databases (gnomAD no frequency). This variant has not been reported in the literature in individuals affected with ALMS1-related conditions. For these reasons, this variant has been classified as Pathogenic.

Literature cited by the submitters: DOI doi:10.1155/2023/2564200 (cited by Laboratory of Medical Genetics (UMR_S 1112), INSERM/Strasbourg University); PubMed 17594715 (cited by Labcorp Genetics (formerly Invitae), Labcorp).